The following is an entry in ClinVar:

ClinVar aggregate classification (germline): Uncertain significance (1 of 4 stars; one submission).

Submission:

Labcorp Genetics (formerly Invitae), Labcorp
Classification: Uncertain significance. Last evaluated: 2023-09-03. Review status: criteria provided, single submitter. Criteria: Invitae Variant Classification Sherloc (09022015). Collection method: clinical testing. Allele origin: germline.
Comment: Experimental studies and prediction algorithms are not available or were not evaluated, and the functional significance of this variant is currently unknown. In summary, the available evidence is currently insufficient to determine the role of this variant in disease. Therefore, it has been classified as a Variant of Uncertain Significance. This sequence change creates a premature translational stop signal (p.Asn571Ilefs*9) in the GEN1 gene. While this is not anticipated to result in nonsense mediated decay, it is expected to disrupt the last 338 amino acid(s) of the GEN1 protein. This variant is not present in population databases (gnomAD no frequency). This variant has not been reported in the literature in individuals affected with GEN1-related conditions.

NM_001130009.3(GEN1):c.1712del (p.Asn571fs)

Gene: GEN1 (GEN1 structure-specific endonuclease; plus strand). Cytogenetic location: 2p24.2.
Variant type: Deletion.
Coding change: c.1712del on transcript NM_001130009.3 (MANE Select); coding-DNA position 1712, one base deleted (A; older notation c.1712delA).
Protein change: p.Asn571fs; shifts the reading frame from asparagine 571.
Molecular consequence: frameshift variant.
Genome position (GRCh38, 1-based): chr2:17,780,924, A deleted; the last of 2 consecutive A bases (chr2:17,780,923-17,780,924); deleting either gives the same sequence. VCF-style (leftmost placement, unchanged base first): chr2-17780922-CA-C. GRCh37 (hg19) VCF-style: chr2-17962189-CA-C.
Other names: c.1712del, p.Asn571fs (NM_182625.5); short protein forms N571fs.
Identifiers: ClinVar variation 2884211 (VCV002884211.3), dbSNP rs1672796219, ClinGen allele CA2491976376.